The following is an entry in ClinVar:

ClinVar aggregate classification (germline): Uncertain significance (1 of 4 stars; one submission).

Conditions:
Fanconi anemia (FA). Also called: Fanconi's anemia. Identifiers: Orphanet 84, MedGen C0015625, MeSH D005199, MONDO:0019391.

Submission:

Labcorp Genetics (formerly Invitae), Labcorp
Classification: Uncertain significance for Fanconi anemia. Last evaluated: 2024-07-29. Review status: criteria provided, single submitter. Criteria: Invitae Variant Classification Sherloc (09022015). Collection method: clinical testing. Allele origin: germline.
Comment: This sequence change replaces leucine, which is neutral and non-polar, with valine, which is neutral and non-polar, at codon 1246 of the FANCM protein (p.Leu1246Val). This variant is not present in population databases (gnomAD no frequency). This variant has not been reported in the literature in individuals affected with FANCM-related conditions. ClinVar contains an entry for this variant (Variation ID: 1036869). An algorithm developed to predict the effect of missense changes on protein structure and function outputs the following: PolyPhen-2: "Benign". The valine amino acid residue is found in multiple mammalian species, which suggests that this missense change does not adversely affect protein function. In summary, the available evidence is currently insufficient to determine the role of this variant in disease. Therefore, it has been classified as a Variant of Uncertain Significance.

NM_020937.4(FANCM):c.3736T>G (p.Leu1246Val)

Gene: FANCM (FA complementation group M; plus strand). Cytogenetic location: 14q21.2.
Variant type: single nucleotide variant.
Coding change: c.3736T>G on transcript NM_020937.4 (MANE Select); coding-DNA position 3736, T replaced by G.
Protein change: p.Leu1246Val; replaces leucine 1246 with valine.
Molecular consequence: missense variant.
Genome position (GRCh38, 1-based): chr14:45,176,490, T>G. VCF-style: chr14-45176490-T-G. GRCh37 (hg19) VCF-style: chr14-45645693-T-G.
Other names: c.3658T>G, p.Leu1220Val (NM_001308133.2); short protein forms L1246V, L1220V.
Identifiers: ClinVar variation 1036869 (VCV001036869.8), dbSNP rs1888710046, ClinGen allele CA389602812.
Genomic context (GRCh38, chr14:45,176,490, plus strand): 5'-GATTTATTTTCTGTTACCTTTGATTTAGGATTCTGTAGTCCAGATTCTGATGATGAAATA[T>G]TGGAACATACATCAGATAGCAATAGACCTCTAGATGATCTATATGGAAGGTATTTGGAAA-3'
Protein context (NP_065988.1, residues 1236-1256): FCSPDSDDEI[Leu1246Val]EHTSDSNRPL